The following is an entry in ClinVar:

ClinVar aggregate classification (germline): Uncertain significance. Review status: criteria provided, multiple submitters, no conflicts (2 of 4 stars). 3 submissions from 3 submitters: Uncertain significance (3). Last evaluated 2025-06-30.

Conditions:
Inborn genetic diseases. Identifiers: MedGen C0950123, MeSH D030342.
Pseudohyperaldosteronism type 2. Identifiers: Orphanet 88660, MedGen C1854631, MONDO:0011517, OMIM 605115.
Autosomal dominant pseudohypoaldosteronism type 1. Also called: Pseudohypoaldosteronism, Type I, Autosomal Dominant; PHA I, AUTOSOMAL DOMINANT; Pseudohypoaldosteronism, Type I, Dominant. Identifiers: Orphanet 171871, Orphanet 756, MedGen C1449842, MONDO:0008329, OMIM 177735.

Submissions (3):

Labcorp Genetics (formerly Invitae), Labcorp
Classification: Uncertain significance. Last evaluated: 2025-06-30. Review status: criteria provided, single submitter. Criteria: Invitae Variant Classification Sherloc (09022015). Collection method: clinical testing. Allele origin: germline.
Comment: This sequence change replaces valine, which is neutral and non-polar, with methionine, which is neutral and non-polar, at codon 781 of the NR3C2 protein (p.Val781Met). This variant is not present in population databases (gnomAD no frequency). This variant has not been reported in the literature in individuals affected with NR3C2-related conditions. ClinVar contains an entry for this variant (Variation ID: 3407679). Invitae Evidence Modeling of protein sequence and biophysical properties (such as structural, functional, and spatial information, amino acid conservation, physicochemical variation, residue mobility, and thermodynamic stability) indicates that this missense variant is expected to disrupt NR3C2 protein function with a positive predictive value of 80%. In summary, the available evidence is currently insufficient to determine the role of this variant in disease. Therefore, it has been classified as a Variant of Uncertain Significance.

Ambry Genetics
Classification: Uncertain significance for Inborn genetic diseases. Last evaluated: 2024-11-08. Review status: criteria provided, single submitter. Criteria: Ambry Variant Classification Scheme 2023. Collection method: clinical testing. Allele origin: germline.

Fulgent Genetics
Classification: Uncertain significance for Autosomal dominant pseudohypoaldosteronism type 1; Pseudohyperaldosteronism type 2. Last evaluated: 2024-03-01. Review status: criteria provided, single submitter. Criteria: ACMG Guidelines, 2015. Collection method: clinical testing. Allele origin: germline.

NM_000901.5(NR3C2):c.2341G>A (p.Val781Met)

Gene: NR3C2 (nuclear receptor subfamily 3 group C member 2; minus strand). Cytogenetic location: 4q31.23.
Variant type: single nucleotide variant.
Coding change: c.2341G>A on transcript NM_000901.5 (MANE Select); coding-DNA position 2341, G replaced by A.
Protein change: p.Val781Met; replaces valine 781 with methionine.
Molecular consequence: missense variant. On other transcripts: intron variant (2).
Genome position (GRCh38, 1-based): chr4:148,154,575, C>T on the plus strand (G>A on the coding strand, the complement: NR3C2 is on the minus strand). VCF-style: chr4-148154575-C-T. GRCh37 (hg19) VCF-style: chr4-149075726-C-T.
Other names: c.2015-1962G>A (NM_001354819.1, NM_001166104.2); short protein forms V781M.
Identifiers: ClinVar variation 3407679 (VCV003407679.3).